The following is an entry in ClinVar:

NM_004341.5(CAD):c.4166_4167del (p.Asn1388_Phe1389insTer)

Gene: CAD (carbamoyl-phosphate synthetase 2, aspartate transcarbamylase, and dihydroorotase; plus strand). Cytogenetic location: 2p23.3.
Variant type: Deletion.
Coding change: c.4166_4167del on transcript NM_004341.5 (MANE Select); coding-DNA positions 4166 to 4167, 2 bases deleted (TT; older notation c.4166_4167delTT).
Protein change: p.Asn1388_Phe1389insTer.
Molecular consequence: nonsense.
Genome position (GRCh38, 1-based): chr2:27,236,375-27,236,376, TT deleted; deleting any 2 consecutive bases within chr2:27,236,374-27,236,376 gives the same sequence; the c. name uses the placement nearest the transcript's 3' end. VCF-style (leftmost placement, unchanged base first): chr2-27236373-CTT-C. GRCh37 (hg19) VCF-style: chr2-27459241-CTT-C.
Other names: c.3977_3978del, p.Asn1325_Phe1326insTer (NM_001306079.2).
Identifiers: ClinVar variation 2806153 (VCV002806153.3), dbSNP rs2465341445, ClinGen allele CA2576923087.

ClinVar aggregate classification (germline): Pathogenic (1 of 4 stars; one submission).

Submission:

Labcorp Genetics (formerly Invitae), Labcorp
Classification: Pathogenic. Last evaluated: 2023-03-20. Review status: criteria provided, single submitter. Criteria: Invitae Variant Classification Sherloc (09022015). Collection method: clinical testing. Allele origin: germline.
Comment: This sequence change creates a premature translational stop signal (p.Phe1389*) in the CAD gene. It is expected to result in an absent or disrupted protein product. Loss-of-function variants in CAD are known to be pathogenic (PMID: 28007989, 32117025, 32820246, 33497533). This variant is not present in population databases (gnomAD no frequency). This variant has not been reported in the literature in individuals affected with CAD-related conditions. Algorithms developed to predict the effect of sequence changes on RNA splicing suggest that this variant may create or strengthen a splice site. For these reasons, this variant has been classified as Pathogenic.

Literature cited by the submitters: PubMed 28007989; PubMed 32117025; PubMed 32820246; PubMed 33497533.